The following is an entry in ClinVar:

NM_002941.4(ROBO1):c.531G>A (p.Ser177=)

Gene: ROBO1 (roundabout guidance receptor 1; minus strand). Cytogenetic location: 3p12.3.
Variant type: single nucleotide variant.
Coding change: c.531G>A on transcript NM_002941.4 (MANE Select); coding-DNA position 531, G replaced by A.
Protein change: p.Ser177=; no amino-acid change (serine 177 retained).
Molecular consequence: synonymous variant.
Genome position (GRCh38, 1-based): chr3:78,746,869, C>T on the plus strand (G>A on the coding strand, the complement: ROBO1 is on the minus strand). VCF-style: chr3-78746869-C-T. GRCh37 (hg19) VCF-style: chr3-78796019-C-T.
Other names: c.414G>A, p.Ser138= (NM_001145844.1, NM_001145845.2, NM_133631.4).
Identifiers: ClinVar variation 2653982 (VCV002653982.24), dbSNP rs367635429, ClinGen allele CA2499225.

ClinVar aggregate classification (germline): Likely benign (1 of 4 stars; one submission).

Allele frequency attached by ClinVar (database versions not stated): gnomAD exomes 0.00001; ExAC 0.00003; ESP Exome Variant Server 0.00008; 1000 Genomes Project 30x 0.00016.
gnomAD v4.1: 8 of 1,583,024 alleles (0.00051%); highest among the groups gnomAD compares: South Asian, 0.0011%; no homozygotes.

Submission:

CeGaT Center for Human Genetics Tuebingen
Classification: Likely benign. Last evaluated: 2022-12-01. Review status: criteria provided, single submitter. Criteria: CeGaT Center For Human Genetics Tuebingen Variant Classification Criteria Version 2. Collection method: clinical testing. Allele origin: germline. Affected: yes. Observed: 1 variant allele.
Comment: ROBO1: BP4, BP7